The following is an entry in ClinVar:

NM_000256.3(MYBPC3):c.130C>T (p.Arg44Cys)

Gene: MYBPC3 (myosin binding protein C3; minus strand). Cytogenetic location: 11p11.2.
Variant type: single nucleotide variant.
Coding change: c.130C>T on transcript NM_000256.3 (MANE Select); coding-DNA position 130, C replaced by T.
Protein change: p.Arg44Cys; replaces arginine 44 with cysteine.
Molecular consequence: missense variant.
Genome position (GRCh38, 1-based): chr11:47,351,401, G>A on the plus strand (C>T on the coding strand, the complement: MYBPC3 is on the minus strand). VCF-style: chr11-47351401-G-A. GRCh37 (hg19) VCF-style: chr11-47372952-G-A.
Other names: short protein forms R44C.
Identifiers: ClinVar variation 921498 (VCV000921498.15), dbSNP rs557439091, ClinGen allele CA044213.

ClinVar aggregate classification (germline): Uncertain significance. Review status: criteria provided, multiple submitters, no conflicts (2 of 4 stars). 4 submissions from 4 submitters: Uncertain significance (4). Last evaluated 2023-08-15.

Conditions:
Hypertrophic cardiomyopathy. Also called: HYPERTROPHIC MYOCARDIOPATHY. Identifiers: Orphanet 217569, MedGen C0007194, MeSH D002312, MONDO:0005045, HP:0001639.
Cardiomyopathy (CMYO). Also called: Cardiomyopathies. Identifiers: Orphanet 167848, MedGen C0878544, MONDO:0004994, HP:0001638. Inheritance: Various modes of inheritance.

Allele frequency attached by ClinVar (database versions not stated): gnomAD exomes below 0.00001 and 0.00001; TOPMed below 0.00001; gnomAD 0.00001; ExAC 0.00002; 1000 Genomes Project 30x 0.00016; 1000 Genomes Project 0.00020.
gnomAD v4.1: 8 of 1,609,432 alleles (0.0005%); highest among the groups gnomAD compares: African/African-American, 0.0013%; no homozygotes.

Submissions (4):

All of Us Research Program, National Institutes of Health
Classification: Uncertain significance for Hypertrophic cardiomyopathy. Last evaluated: 2023-08-15. Review status: criteria provided, single submitter. Criteria: ACMG Guidelines, 2015. Collection method: clinical testing. Allele origin: germline. Inheritance: Autosomal dominant inheritance. Observed: 3 variant alleles, 3 heterozygotes.
Comment: This missense variant replaces arginine with cysteine at codon 44 of the MYBPC3 protein. Computational prediction suggests that this variant may not impact protein structure and function (internally defined REVEL score threshold <= 0.5, PMID: 27666373). To our knowledge, functional studies have not been reported for this variant. This variant has not been reported in individuals affected with cardiovascular disorders in the literature. This variant has been identified in 1/240262 chromosomes in the general population by the Genome Aggregation Database (gnomAD). The available evidence is insufficient to determine the role of this variant in disease conclusively. Therefore, this variant is classified as a Variant of Uncertain Significance.

This study involves interpretation of variants in research participants for the purpose of population health screening. Participant phenotype was not available at the time of variant classification. Additional details can be found in publication PMID: 35346344, PMCID: PMC8962531

Labcorp Genetics (formerly Invitae), Labcorp
Classification: Uncertain significance for Hypertrophic cardiomyopathy. Last evaluated: 2023-07-06. Review status: criteria provided, single submitter. Criteria: Invitae Variant Classification Sherloc (09022015). Collection method: clinical testing. Allele origin: germline.
Comment: In summary, the available evidence is currently insufficient to determine the role of this variant in disease. Therefore, it has been classified as a Variant of Uncertain Significance. An algorithm developed to predict the effect of missense changes on protein structure and function (PolyPhen-2) suggests that this variant is likely to be tolerated. ClinVar contains an entry for this variant (Variation ID: 921498). This variant has not been reported in the literature in individuals affected with MYBPC3-related conditions. The frequency data for this variant in the population databases is considered unreliable, as metrics indicate poor data quality at this position in the gnomAD database. This sequence change replaces arginine, which is basic and polar, with cysteine, which is neutral and slightly polar, at codon 44 of the MYBPC3 protein (p.Arg44Cys).

Color Diagnostics, LLC DBA Color Health
Classification: Uncertain significance for Cardiomyopathy. Last evaluated: 2023-06-21. Review status: criteria provided, single submitter. Criteria: ACMG Guidelines, 2015. Collection method: clinical testing. Allele origin: germline.
Comment: This missense variant replaces arginine with cysteine at codon 44 of the MYBPC3 protein. Computational prediction suggests that this variant may not impact protein structure and function (internally defined REVEL score threshold <= 0.5, PMID: 27666373). To our knowledge, functional studies have not been reported for this variant. This variant has not been reported in individuals affected with MYBPC3-related disorders in the literature. This variant has been identified in 1/240262 chromosomes in the general population by the Genome Aggregation Database (gnomAD). The available evidence is insufficient to determine the role of this variant in disease conclusively. Therefore, this variant is classified as a Variant of Uncertain Significance.

GeneDx
Classification: Uncertain significance. Last evaluated: 2020-06-16. Review status: criteria provided, single submitter. Criteria: GeneDx Variant Classification Process June 2021. Collection method: clinical testing. Allele origin: germline. Affected: yes.
Comment: Not observed at a significant frequency in large population cohorts (Lek et al., 2016); In silico analysis supports that this missense variant does not alter protein structure/function; This variant is associated with the following publications: (PMID: 28679633)